The following is an entry in ClinVar:

ClinVar aggregate classification (germline): Uncertain significance (1 of 4 stars; one submission).

Submission:

GeneDx
Classification: Uncertain significance. Last evaluated: 2019-11-09. Review status: criteria provided, single submitter. Criteria: GeneDx Variant Classification Process June 2021. Collection method: clinical testing. Allele origin: germline. Affected: yes.
Comment: Not observed in large population cohorts (Lek et al., 2016); In silico analysis, which includes protein predictors and evolutionary conservation, supports a deleterious effect; Has not been previously published as pathogenic or benign to our knowledge

NM_001510.4(GRID2):c.1948G>C (p.Ala650Pro)

Gene: GRID2 (glutamate ionotropic receptor delta type subunit 2; plus strand). Cytogenetic location: 4q22.2.
Variant type: single nucleotide variant.
Coding change: c.1948G>C on transcript NM_001510.4 (MANE Select); coding-DNA position 1948, G replaced by C.
Protein change: p.Ala650Pro; replaces alanine 650 with proline.
Molecular consequence: missense variant.
Genome position (GRCh38, 1-based): chr4:93,490,728, G>C. VCF-style: chr4-93490728-G-C. GRCh37 (hg19) VCF-style: chr4-94411879-G-C.
Other names: c.1663G>C, p.Ala555Pro (NM_001286838.1); short protein forms A555P, A650P.
Identifiers: ClinVar variation 1316539 (VCV001316539.2), dbSNP rs2149459950, ClinGen allele CA357724787.
Genomic context (GRCh38, chr4:93,490,728, plus strand): 5'-ACCCGAATGATGATGGGGGCTTGGTGGCTATTTGCTTTGATTGTTATCTCATCTTACACG[G>C]CAAACCTCGCTGCTTTCCTCACTATTACACGCATTGAAAGTTCCATCCAGTAAGTAAACA-3'
Protein context (NP_001501.2, residues 640-660): FALIVISSYT[Ala650Pro]NLAAFLTITR